The following is an entry in ClinVar:

NM_005559.4(LAMA1):c.7337+3A>T

Gene: LAMA1 (laminin subunit alpha 1; minus strand). Cytogenetic location: 18p11.31.
Variant type: single nucleotide variant.
Coding change: c.7337+3A>T on transcript NM_005559.4 (MANE Select); 3 bases into the intron after coding-DNA position 7337, A replaced by T.
Molecular consequence: intron variant.
Genome position (GRCh38, 1-based): chr18:6,964,659, T>A on the plus strand (A>T on the coding strand, the complement: LAMA1 is on the minus strand). VCF-style: chr18-6964659-T-A. GRCh37 (hg19) VCF-style: chr18-6964658-T-A.
Identifiers: ClinVar variation 3903204 (VCV003903204.1).

ClinVar aggregate classification (germline): Likely pathogenic (1 of 4 stars; one submission).

gnomAD v4.1: 67 of 1,614,058 alleles (0.0042%); highest among the groups gnomAD compares: Non-Finnish European, 0.0056%; no homozygotes.

Submission:

GeneDx
Classification: Likely pathogenic. Last evaluated: 2024-12-06. Review status: criteria provided, single submitter. Criteria: GeneDx Variant Classification Process June 2021. Collection method: clinical testing. Allele origin: germline. Affected: yes.
Comment: In silico analysis supports a deleterious effect on splicing; Has not been previously published as pathogenic or benign to our knowledge